The following is an entry in ClinVar:

NM_022168.4(IFIH1):c.2533A>G (p.Thr845Ala)

Gene: IFIH1 (interferon induced with helicase C domain 1; minus strand). Cytogenetic location: 2q24.2.
Variant type: single nucleotide variant.
Coding change: c.2533A>G on transcript NM_022168.4 (MANE Select); coding-DNA position 2533, A replaced by G.
Protein change: p.Thr845Ala; replaces threonine 845 with alanine.
Molecular consequence: missense variant.
Genome position (GRCh38, 1-based): chr2:162,272,309, T>C on the plus strand (A>G on the coding strand, the complement: IFIH1 is on the minus strand). VCF-style: chr2-162272309-T-C. GRCh37 (hg19) VCF-style: chr2-163128819-T-C.
Other names: short protein forms T845A.
Identifiers: ClinVar variation 4794858 (VCV004794858.1).

ClinVar aggregate classification (germline): Uncertain significance (1 of 4 stars; one submission).

Conditions:
Aicardi-Goutieres syndrome 7 (AGS7). Identifiers: Orphanet 51, MedGen C3888244, MONDO:0014367, OMIM 615846.
Singleton-Merten syndrome 1 (SGMRT1). Also called: Widened medullary cavities of bone, aortic calcification, abnormal dentition, and muscular weakness; Syndrome of widened medullary cavities of the metacarpals and phalanges, aortic calcification and abnormal dentition. Identifiers: Orphanet 85191, MedGen C4225427, MONDO:0024535, OMIM 182250.

gnomAD v4.1: 3 of 1,613,090 alleles (0.00019%); highest among the groups gnomAD compares: East Asian, 0.0022%; no homozygotes.

Submission:

Labcorp Genetics (formerly Invitae), Labcorp
Classification: Uncertain significance for Aicardi-Goutieres syndrome 7; Singleton-Merten syndrome 1. Last evaluated: 2025-10-31. Review status: criteria provided, single submitter. Criteria: Invitae Variant Classification Sherloc (09022015). Collection method: clinical testing. Allele origin: germline.
Comment: This sequence change replaces threonine, which is neutral and polar, with alanine, which is neutral and non-polar, at codon 845 of the IFIH1 protein (p.Thr845Ala). This variant is present in population databases (no rsID available, gnomAD 0.01%). This variant has not been reported in the literature in individuals affected with IFIH1-related conditions. Invitae Evidence Modeling of protein sequence and biophysical properties (such as structural, functional, and spatial information, amino acid conservation, physicochemical variation, residue mobility, and thermodynamic stability) has been performed for this missense variant. However, the output from this modeling did not meet the statistical confidence thresholds required to predict the impact of this variant on IFIH1 protein function. In summary, the available evidence is currently insufficient to determine the role of this variant in disease. Therefore, it has been classified as a Variant of Uncertain Significance.